The following is an entry in ClinVar:

NM_001540.5(HSPB1):c.-19C>T

Gene: HSPB1 (heat shock protein family B (small) member 1; plus strand). Cytogenetic location: 7q11.23.
Variant type: single nucleotide variant.
Coding change: c.-19C>T on transcript NM_001540.5 (MANE Select); 19 bases upstream of the start codon, C replaced by T.
Molecular consequence: 5 prime UTR variant.
Genome position (GRCh38, 1-based): chr7:76,302,694, C>T. VCF-style: chr7-76302694-C-T. GRCh37 (hg19) VCF-style: chr7-75932011-C-T.
Other names: c.-19C>T (LRG_248t1).
Identifiers: ClinVar variation 258165 (VCV000258165.39), dbSNP rs199602956, ClinGen allele CA4306217.

ClinVar aggregate classification (germline): Benign/Likely benign. Review status: criteria provided, multiple submitters, no conflicts (2 of 4 stars). 8 submissions from 7 submitters: Benign (2); Likely benign (6). Last evaluated 2026-09-01.

Conditions:
Charcot-Marie-Tooth disease. Also called: Charcot-Marie-Tooth Hereditary Neuropathy; Charcot-Marie-Tooth Neuropathy. Identifiers: Orphanet 166, MedGen C0007959, MONDO:0015626.
Neuronopathy, distal hereditary motor, type 2B. Also called: HMN IIB; NEURONOPATHY, DISTAL HEREDITARY MOTOR, AUTOSOMAL DOMINANT 3; NEURONOPATHY, DISTAL HEREDITARY MOTOR, HARDING TYPE IIB; NEUROPATHY, DISTAL HEREDITARY MOTOR, HARDING TYPE IIB. Identifiers: Orphanet 139525, MedGen C2608087, MONDO:0012080, OMIM 608634.
Charcot-Marie-Tooth disease axonal type 2F (CMT2F). Also called: CHARCOT-MARIE-TOOTH DISEASE, NEURONAL, TYPE 2F; Charcot-Marie-Tooth Neuropathy Type 2F. Identifiers: Orphanet 99940, MedGen C1847823, MONDO:0011687, OMIM 606595.

Allele frequency attached by ClinVar (database versions not stated): 1000 Genomes Project 0.00040; 1000 Genomes Project 30x 0.00047; ExAC 0.00139; gnomAD exomes 0.00140 and 0.00234; gnomAD 0.00145 and 0.00149; TOPMed 0.00146; ESP Exome Variant Server 0.00217.

Submissions (9):

CeGaT Center for Human Genetics Tuebingen
Classification: Likely benign. Last evaluated: 2026-09-01. Review status: criteria provided, single submitter. Criteria: CeGaT Center For Human Genetics Tuebingen Variant Classification Criteria Version 2. Collection method: clinical testing. Allele origin: germline. Affected: yes. Observed: 9 variant alleles.
Comment: HSPB1: BS1

Blueprint Genetics
Classification: Likely benign. Last evaluated: 2024-11-27. Review status: criteria provided, single submitter. Criteria: ACMG Guidelines, 2015. Collection method: clinical testing. Allele origin: germline.

Illumina Laboratory Services, Illumina
Classification: Benign for Neuronopathy, distal hereditary motor, type 2B. Last evaluated: 2018-01-13. Review status: criteria provided, single submitter. Criteria: ICSL Variant Classification Criteria 13 December 2019. Collection method: clinical testing. Allele origin: germline.
Comment: This variant was observed in the ICSL laboratory as part of a predisposition screen in an ostensibly healthy population. It had not been previously curated by ICSL or reported in the Human Gene Mutation Database (HGMD: prior to June 1st, 2018), and was therefore a candidate for classification through an automated scoring system. Utilizing variant allele frequency, disease prevalence and penetrance estimates, and inheritance mode, an automated score was calculated to assess if this variant is too frequent to cause the disease. Based on the score and internal cut-off values, a variant classified as benign is not then subjected to further curation. The score for this variant resulted in a classification of benign for this disease.

Illumina Laboratory Services, Illumina
Classification: Benign for Charcot-Marie-Tooth disease axonal type 2F. Last evaluated: 2018-01-13. Review status: criteria provided, single submitter. Criteria: ICSL Variant Classification Criteria 13 December 2019. Collection method: clinical testing. Allele origin: germline.
Comment: the same text as in the submission from Illumina Laboratory Services, Illumina above.

GeneDx
Classification: Likely benign. Last evaluated: 2017-09-21. Review status: criteria provided, single submitter. Criteria: GeneDx Variant Classification (06012015). Collection method: clinical testing. Allele origin: germline. Affected: yes.
Comment: This variant is considered likely benign or benign based on one or more of the following criteria: it is a conservative change, it occurs at a poorly conserved position in the protein, it is predicted to be benign by multiple in silico algorithms, and/or has population frequency not consistent with disease.

Eurofins Ntd Llc (ga)
Classification: Likely benign. Last evaluated: 2016-06-16. Review status: criteria provided, single submitter. Criteria: EGL Classification Definitions 2015. Collection method: clinical testing. Allele origin: germline. Observed: 1 variant allele, 1 heterozygote.

Molecular Genetics Laboratory, London Health Sciences Centre
Classification: Likely benign for Charcot-Marie-Tooth disease. Review status: criteria provided, single submitter. Criteria: ACMG Guidelines, 2015. Collection method: clinical testing. Allele origin: germline. Affected: yes.

PreventionGenetics, part of Exact Sciences
Classification: Likely benign. Review status: criteria provided, single submitter. Criteria: ACMG Guidelines, 2015. Collection method: clinical testing. Allele origin: germline.

Seelig Lab, University of Washington
No classification provided (evidence only). Review status: no classification provided. Collection method: in vitro. Allele origin: not applicable. Functional consequence: effect on translation. Not counted in ClinVar's aggregate classification.
ClinVar note: "not provided" was previously submitted as the classification for the variant. However, the classification appeared to be based only on an observation of functional data so it was converted to no classification on 2025-07-30.